The following is an entry in ClinVar:

NM_020791.4(TAOK1):c.655_655+1delinsT

Gene: TAOK1 (TAO kinase 1; plus strand). Cytogenetic location: 17q11.2.
Variant type: Indel.
Coding change: c.655_655+1delinsT on transcript NM_020791.4 (MANE Select); coding-DNA position 655 through the canonical splice donor site of the intron after coding-DNA position 655, GG replaced by T.
Molecular consequence: splice donor variant.
Genome position (GRCh38, 1-based): chr17:29,482,288-29,482,289, GG replaced by T. VCF-style: chr17-29482288-GG-T. GRCh37 (hg19) VCF-style: chr17-27809306-GG-T.
Other names: c.655_655+1delinsT (NM_025142.1).
Identifiers: ClinVar variation 3031701 (VCV003031701.2), dbSNP rs2508210953, ClinGen allele CA2740095302.

ClinVar aggregate classification (germline): Likely pathogenic (0 of 4 stars; one submission).

Conditions:
TAOK1-related disorder. Also called: TAOK1-related condition.

Submission:

PreventionGenetics, part of Exact Sciences
Classification: Likely pathogenic for TAOK1-related condition. Last evaluated: 2023-12-06. Review status: no assertion criteria provided. Collection method: clinical testing. Allele origin: germline.
Comment: The TAOK1 c.655_655+1delinsT variant is predicted to result in an in-frame deletion and insertion. To our knowledge, this variant has not been reported in the literature or in a large population database, indicating this variant is rare. This variant is interpreted as likely pathogenic.